The following is an entry in ClinVar:

NM_032188.3(KAT8):c.697C>T (p.Arg233Trp)

Gene: KAT8 (lysine acetyltransferase 8; plus strand). Cytogenetic location: 16p11.2.
Variant type: single nucleotide variant.
Coding change: c.697C>T on transcript NM_032188.3 (MANE Select); coding-DNA position 697, C replaced by T.
Protein change: p.Arg233Trp; replaces arginine 233 with tryptophan.
Molecular consequence: missense variant.
Genome position (GRCh38, 1-based): chr16:31,128,065, C>T. VCF-style: chr16-31128065-C-T. GRCh37 (hg19) VCF-style: chr16-31139386-C-T.
Other names: c.697C>T, p.Arg233Trp (NM_182958.4); short protein forms R233W.
Identifiers: ClinVar variation 3242197 (VCV003242197.1), dbSNP rs1596824540.

ClinVar aggregate classification (germline): Uncertain significance (1 of 4 stars; one submission).

Conditions:
Li-Ghorbani-Weisz-Hubshman syndrome. Identifiers: MedGen C5436525, MONDO:0033547, OMIM 618974.

Allele frequency attached by ClinVar (database versions not stated): gnomAD exomes 0.00001.
gnomAD v4.1: 7 of 1,613,726 alleles (0.00043%); highest among the groups gnomAD compares: South Asian, 0.0022%; no homozygotes.

Submission:

Neuberg Centre For Genomic Medicine, NCGM
Classification: Uncertain significance for Li-Ghorbani-Weisz-Hubshman syndrome. Review status: criteria provided, single submitter. Criteria: ACMG Guidelines, 2015. Collection method: clinical testing. Allele origin: germline. Inheritance: Autosomal dominant inheritance. Affected: yes.
Comment: The missense c.697C>T (p.Arg233Trp) variant in KAT8 gene has not been reported previously as a pathogenic variant nor as a benign variant, to our knowledge. The p.Arg233Trp variant is novel (not in any individuals) in gnomAD Exomes and 1000 Genomes. This variant has not been reported to the ClinVar database. The amino acid change p.Arg233Trp in KAT8 is predicted as conserved by GERP++ and PhyloP across 100 vertebrates. The amino acid Arg at position 233 is changed to a Trp changing protein sequence and it might alter its composition and physico-chemical properties. For these reasons, this variant has been classified as a Variant of Uncertain Significance (VUS).